The following is an entry in ClinVar:

NM_001987.5(ETV6):c.594G>C (p.Gln198His)

Gene: ETV6 (ETS variant transcription factor 6; plus strand). Cytogenetic location: 12p13.2.
Variant type: single nucleotide variant.
Coding change: c.594G>C on transcript NM_001987.5 (MANE Select); coding-DNA position 594, G replaced by C.
Protein change: p.Gln198His; replaces glutamine 198 with histidine.
Molecular consequence: missense variant.
Genome position (GRCh38, 1-based): chr12:11,869,554, G>C. VCF-style: chr12-11869554-G-C. GRCh37 (hg19) VCF-style: chr12-12022488-G-C.
Other names: c.591G>C, p.Gln197His (NM_001413913.1); c.567G>C, p.Gln189His (NM_001413914.1); c.330G>C, p.Gln110His (NM_001413915.1); c.594G>C, p.Gln198His (NM_001413916.1, NM_001413917.1); short protein forms Q197H, Q198H, Q110H, Q189H.
Identifiers: ClinVar variation 3510633 (VCV003510633.1).

ClinVar aggregate classification (germline): Uncertain significance (1 of 4 stars; one submission).

Conditions:
Inborn genetic diseases. Identifiers: MedGen C0950123, MeSH D030342.

gnomAD v4.1: 1 of 1,614,148 alleles (0.000062%); highest among the groups gnomAD compares: Non-Finnish European, 0.000085%; no homozygotes.

Submission:

Ambry Genetics
Classification: Uncertain significance for Inborn genetic diseases. Last evaluated: 2024-12-08. Review status: criteria provided, single submitter. Criteria: Ambry Variant Classification Scheme 2023. Collection method: clinical testing. Allele origin: germline.
Comment: The p.Q198H variant (also known as c.594G>C), located in coding exon 5 of the ETV6 gene, results from a G to C substitution at nucleotide position 594. The glutamine at codon 198 is replaced by histidine, an amino acid with highly similar properties. This amino acid position is conserved. In addition, this alteration is predicted to be tolerated by in silico analysis. Based on the available evidence, the clinical significance of this variant remains unclear.